The following is an entry in ClinVar:

NM_005732.4(RAD50):c.2517A>T (p.Leu839Phe)

Gene: RAD50 (RAD50 double strand break repair protein; plus strand). Cytogenetic location: 5q31.1.
Variant type: single nucleotide variant.
Coding change: c.2517A>T on transcript NM_005732.4 (MANE Select); coding-DNA position 2517, A replaced by T.
Protein change: p.Leu839Phe; replaces leucine 839 with phenylalanine.
Molecular consequence: missense variant.
Genome position (GRCh38, 1-based): chr5:132,604,039, A>T. VCF-style: chr5-132604039-A-T. GRCh37 (hg19) VCF-style: chr5-131939731-A-T.
Other names: short protein forms L839F.
Identifiers: ClinVar variation 849933 (VCV000849933.11), dbSNP rs1750936594, ClinGen allele CA360955933.

ClinVar aggregate classification (germline): Uncertain significance. Review status: criteria provided, multiple submitters, no conflicts (2 of 4 stars). 2 submissions from 2 submitters: Uncertain significance (2). Last evaluated 2025-10-17.

Conditions:
Hereditary cancer-predisposing syndrome. Also called: Tumor predisposition; Neoplastic Syndromes, Hereditary; Hereditary neoplastic syndrome; Hereditary Cancer Syndrome. Identifiers: Orphanet 140162, MedGen C0027672, MeSH D009386, MONDO:0015356.

Allele frequency attached by ClinVar (database versions not stated): gnomAD exomes below 0.00001.

Submissions (2):

Ambry Genetics
Classification: Uncertain significance for Hereditary cancer-predisposing syndrome. Last evaluated: 2025-10-17. Review status: criteria provided, single submitter. Criteria: Ambry Variant Classification Scheme 2023. Collection method: clinical testing. Allele origin: germline.
Comment: The p.L839F variant (also known as c.2517A>T), located in coding exon 15 of the RAD50 gene, results from an A to T substitution at nucleotide position 2517. The leucine at codon 839 is replaced by phenylalanine, an amino acid with highly similar properties. This amino acid position is conserved. In addition, this alteration is predicted to be tolerated by in silico analysis. Based on the available evidence, the clinical significance of this variant remains unclear.

Labcorp Genetics (formerly Invitae), Labcorp
Classification: Uncertain significance for Hereditary cancer-predisposing syndrome. Last evaluated: 2019-12-26. Review status: criteria provided, single submitter. Criteria: Invitae Variant Classification Sherloc (09022015). Collection method: clinical testing. Allele origin: germline.
Comment: In summary, the available evidence is currently insufficient to determine the role of this variant in disease. Therefore, it has been classified as a Variant of Uncertain Significance. Algorithms developed to predict the effect of missense changes on protein structure and function are either unavailable or do not agree on the potential impact of this missense change (SIFT: "Deleterious"; PolyPhen-2: "Benign"; Align-GVGD: "Class C0"). This variant has not been reported in the literature in individuals with RAD50-related conditions. This variant is not present in population databases (ExAC no frequency). This sequence change replaces leucine with phenylalanine at codon 839 of the RAD50 protein (p.Leu839Phe). The leucine residue is moderately conserved and there is a small physicochemical difference between leucine and phenylalanine.